The following is an entry in ClinVar:

NM_006267.5(RANBP2):c.2008G>A (p.Ala670Thr)

Gene: RANBP2 (RAN binding protein 2; plus strand). Cytogenetic location: 2q13.
Variant type: single nucleotide variant.
Coding change: c.2008G>A on transcript NM_006267.5 (MANE Select); coding-DNA position 2008, G replaced by A.
Protein change: p.Ala670Thr; replaces alanine 670 with threonine.
Molecular consequence: missense variant.
Genome position (GRCh38, 1-based): chr2:108,753,516, G>A. VCF-style: chr2-108753516-G-A. GRCh37 (hg19) VCF-style: chr2-109369972-G-A.
Other names: c.2008G>A, p.Ala670Thr (NM_001415871.1, NM_001415873.1); c.2005G>A, p.Ala669Thr (NM_001415872.1); short protein forms A669T, A670T.
Identifiers: ClinVar variation 2718145 (VCV002718145.3), dbSNP rs774851788, ClinGen allele CA1822507.

ClinVar aggregate classification (germline): Uncertain significance (1 of 4 stars; one submission).

Conditions:
Familial acute necrotizing encephalopathy (IIAE3). Also called: ENCEPHALOPATHY, ACUTE, INFECTION-INDUCED, SUSCEPTIBILITY TO, 3; Susceptibility to Acute Necrotizing Encephalopathy 1. Identifiers: Orphanet 88619, MedGen C2675556, MONDO:0011953, OMIM 608033.

Allele frequency attached by ClinVar (database versions not stated): ExAC 0.00001; gnomAD 0.00001; TOPMed 0.00001.

Submission:

Labcorp Genetics (formerly Invitae), Labcorp
Classification: Uncertain significance for Familial acute necrotizing encephalopathy. Last evaluated: 2023-10-09. Review status: criteria provided, single submitter. Criteria: Invitae Variant Classification Sherloc (09022015). Collection method: clinical testing. Allele origin: germline.
Comment: This sequence change replaces alanine, which is neutral and non-polar, with threonine, which is neutral and polar, at codon 670 of the RANBP2 protein (p.Ala670Thr). This variant is present in population databases (rs774851788, gnomAD 0.006%). This variant has not been reported in the literature in individuals affected with RANBP2-related conditions. Algorithms developed to predict the effect of missense changes on protein structure and function output the following: SIFT: "Not Available"; PolyPhen-2: "Benign"; Align-GVGD: "Not Available". The threonine amino acid residue is found in multiple mammalian species, which suggests that this missense change does not adversely affect protein function. In summary, the available evidence is currently insufficient to determine the role of this variant in disease. Therefore, it has been classified as a Variant of Uncertain Significance.